The following is an entry in ClinVar:

NM_000166.6(GJB1):c.-16-1G>A

Gene: GJB1 (gap junction protein beta 1; plus strand). Cytogenetic location: Xq13.1.
Variant type: single nucleotide variant.
Coding change: c.-16-1G>A on transcript NM_000166.6 (MANE Select); the canonical splice acceptor site of the intron before 16 bases upstream of the start codon, G replaced by A.
Molecular consequence: splice acceptor variant.
Genome position (GRCh38, 1-based): chrX:71,223,691, G>A. VCF-style: chrX-71223691-G-A. GRCh37 (hg19) VCF-style: chrX-70443541-G-A.
Other names: c.-16-1G>A (NM_001097642.3).
Identifiers: ClinVar variation 2138603 (VCV002138603.4), dbSNP rs2519797482, ClinGen allele CA2580101318.

ClinVar aggregate classification (germline): Likely pathogenic (1 of 4 stars; one submission).

Conditions:
Charcot-Marie-Tooth Neuropathy X. Identifiers: MedGen CN118851.

Submission:

Labcorp Genetics (formerly Invitae), Labcorp
Classification: Likely pathogenic for Charcot-Marie-Tooth Neuropathy X. Last evaluated: 2024-04-17. Review status: criteria provided, single submitter. Criteria: Invitae Variant Classification Sherloc (09022015). Collection method: clinical testing. Allele origin: germline.
Comment: This sequence change falls in intron 1 of the GJB1 gene. It does not directly change the encoded amino acid sequence of the GJB1 protein. It affects a nucleotide within the consensus splice site. This variant is not present in population databases (gnomAD no frequency). This variant has been observed in individuals with GJB1-related conditions (PMID: 23011429, 26257172, 31827005; Invitae). This variant is also known as c.-17G>A. ClinVar contains an entry for this variant (Variation ID: 2138603). Variants that disrupt the consensus splice site are a relatively common cause of aberrant splicing (PMID: 17576681, 9536098). Algorithms developed to predict the effect of sequence changes on RNA splicing suggest that this variant may disrupt the consensus splice site. In summary, the currently available evidence indicates that the variant is pathogenic, but additional data are needed to prove that conclusively. Therefore, this variant has been classified as Likely Pathogenic.

Literature cited by the submitters: PubMed 23011429; PubMed 26257172; PubMed 31827005; PubMed 17576681; PubMed 9536098.